The following is an entry in ClinVar:

NM_152296.5(ATP1A3):c.1243G>C (p.Ala415Pro)

Gene: ATP1A3 (ATPase Na+/K+ transporting subunit alpha 3; minus strand). Cytogenetic location: 19q13.2.
Variant type: single nucleotide variant.
Coding change: c.1243G>C on transcript NM_152296.5 (MANE Select); coding-DNA position 1243, G replaced by C.
Protein change: p.Ala415Pro; replaces alanine 415 with proline.
Molecular consequence: missense variant.
Genome position (GRCh38, 1-based): chr19:41,981,781, C>G on the plus strand (G>C on the coding strand, the complement: ATP1A3 is on the minus strand). VCF-style: chr19-41981781-C-G. GRCh37 (hg19) VCF-style: chr19-42485933-C-G.
Other names: c.1276G>C, p.Ala426Pro (NM_001256213.2); c.1282G>C, p.Ala428Pro (NM_001256214.2); short protein forms A415P, A426P, A428P.
Identifiers: ClinVar variation 2013052 (VCV002013052.4), dbSNP rs2145971996, ClinGen allele CA406050418.
Genomic context (GRCh38, chr19:41,981,781, plus strand): 5'-CCTTGAGCACAGGGATGTTGTCCTGACCACCCTTGAAGACAGCGCGATTGCAGAGCCCAG[C>G]GATGTGAGACAGGGCCACCCAGGTGTGCGAACTCTTGTCAAATGAGGTCCCTGGGGGAGG-3'
Protein context (NP_689509.1, residues 405-425): SHTWVALSHI[Ala415Pro]GLCNRAVFKG

ClinVar aggregate classification (germline): Uncertain significance (1 of 4 stars; one submission).

Conditions:
Dystonia 12 (DYT12). Also called: DYT-ATP1A3; Rapid-Onset Dystonia-Parkinsonism (RDP). Identifiers: Orphanet 71517, MedGen C1868681, MONDO:0007496, OMIM 128235.

Submission:

Labcorp Genetics (formerly Invitae), Labcorp
Classification: Uncertain significance for Dystonia 12. Last evaluated: 2025-10-01. Review status: criteria provided, single submitter. Criteria: Invitae Variant Classification Sherloc (09022015). Collection method: clinical testing. Allele origin: germline.
Comment: This sequence change replaces alanine, which is neutral and non-polar, with proline, which is neutral and non-polar, at codon 415 of the ATP1A3 protein (p.Ala415Pro). This variant is not present in population databases (gnomAD no frequency). This variant has not been reported in the literature in individuals affected with ATP1A3-related conditions. ClinVar contains an entry for this variant (Variation ID: 2013052). Invitae Evidence Modeling of protein sequence and biophysical properties (such as structural, functional, and spatial information, amino acid conservation, physicochemical variation, residue mobility, and thermodynamic stability) indicates that this missense variant is expected to disrupt ATP1A3 protein function with a positive predictive value of 95%. Algorithms developed to predict the effect of sequence changes on RNA splicing suggest that this variant may disrupt the consensus splice site. In summary, the available evidence is currently insufficient to determine the role of this variant in disease. Therefore, it has been classified as a Variant of Uncertain Significance.